The following is an entry in ClinVar:

ClinVar aggregate classification (germline): Uncertain significance (1 of 4 stars; one submission).

Conditions:
Inborn genetic diseases. Identifiers: MedGen C0950123, MeSH D030342.

Submission:

Ambry Genetics
Classification: Uncertain significance for Inborn genetic diseases. Last evaluated: 2022-10-10. Review status: criteria provided, single submitter. Criteria: Ambry Variant Classification Scheme 2023. Collection method: clinical testing. Allele origin: germline.
Comment: The p.V1528L variant (also known as c.4582G>C), located in coding exon 32 of the LRRK2 gene, results from a G to C substitution at nucleotide position 4582. The valine at codon 1528 is replaced by leucine, an amino acid with highly similar properties. This amino acid position is conserved. In addition, this alteration is predicted to be tolerated by in silico analysis. Since supporting evidence is limited at this time, the clinical significance of this alteration remains unclear.

NM_198578.4(LRRK2):c.4582G>C (p.Val1528Leu)

Gene: LRRK2 (leucine rich repeat kinase 2; plus strand). Cytogenetic location: 12q12.
Variant type: single nucleotide variant.
Coding change: c.4582G>C on transcript NM_198578.4 (MANE Select); coding-DNA position 4582, G replaced by C.
Protein change: p.Val1528Leu; replaces valine 1528 with leucine.
Molecular consequence: missense variant.
Genome position (GRCh38, 1-based): chr12:40,314,017, G>C. VCF-style: chr12-40314017-G-C. GRCh37 (hg19) VCF-style: chr12-40707819-G-C.
Other names: short protein forms V1528L.
Identifiers: ClinVar variation 1741652 (VCV001741652.2), dbSNP rs774313654, ClinGen allele CA384418830.